The following is an entry in ClinVar:

ClinVar aggregate classification (germline): Uncertain significance. Review status: criteria provided, multiple submitters, no conflicts (2 of 4 stars). 3 submissions from 3 submitters: Uncertain significance (3). Last evaluated 2024-10-15.

Conditions:
Hereditary cancer-predisposing syndrome. Also called: Hereditary Cancer Syndrome; Hereditary neoplastic syndrome; Tumor predisposition; Neoplastic Syndromes, Hereditary. Identifiers: Orphanet 140162, MedGen C0027672, MeSH D009386, MONDO:0015356.
Cardiovascular phenotype. Identifiers: MedGen CN230736.
Neurofibromatosis, type 1 (NF1). Also called: NEUROFIBROMATOSIS, TYPE I, SOMATIC; VON RECKLINGHAUSEN DISEASE; Neurofibromatosis, type I; Peripheral type neurofibromatosis. Identifiers: Orphanet 636, MedGen C0027831, MONDO:0018975, OMIM 162200. Disease mechanism: loss of function.

Submissions (3):

Labcorp Genetics (formerly Invitae), Labcorp
Classification: Uncertain significance for Neurofibromatosis, type 1. Last evaluated: 2024-10-15. Review status: criteria provided, single submitter. Criteria: Invitae Variant Classification Sherloc (09022015). Collection method: clinical testing. Allele origin: germline.
Comment: This sequence change replaces serine, which is neutral and polar, with alanine, which is neutral and non-polar, at codon 2288 of the NF1 protein (p.Ser2288Ala). This variant is not present in population databases (gnomAD no frequency). This variant has not been reported in the literature in individuals affected with NF1-related conditions. ClinVar contains an entry for this variant (Variation ID: 1362859). Invitae Evidence Modeling of protein sequence and biophysical properties (such as structural, functional, and spatial information, amino acid conservation, physicochemical variation, residue mobility, and thermodynamic stability) has been performed for this missense variant. However, the output from this modeling did not meet the statistical confidence thresholds required to predict the impact of this variant on NF1 protein function. In summary, the available evidence is currently insufficient to determine the role of this variant in disease. Therefore, it has been classified as a Variant of Uncertain Significance.

Ambry Genetics
Classification: Uncertain significance for Cardiovascular phenotype; Hereditary cancer-predisposing syndrome. Last evaluated: 2023-08-14. Review status: criteria provided, single submitter. Criteria: Ambry Variant Classification Scheme 2023. Collection method: clinical testing. Allele origin: germline.
Comment: The p.S2288A variant (also known as c.6862T>G), located in coding exon 46 of the NF1 gene, results from a T to G substitution at nucleotide position 6862. The serine at codon 2288 is replaced by alanine, an amino acid with similar properties. This amino acid position is conserved. In addition, the in silico prediction for this alteration is inconclusive. Since supporting evidence is limited at this time, the clinical significance of this alteration remains unclear.

GeneDx
Classification: Uncertain significance. Last evaluated: 2023-06-14. Review status: criteria provided, single submitter. Criteria: GeneDx Variant Classification Process June 2021. Collection method: clinical testing. Allele origin: germline. Affected: yes.
Comment: Not observed at significant frequency in large population cohorts (gnomAD); In silico analysis supports that this missense variant does not alter protein structure/function; Has not been previously published as pathogenic or benign to our knowledge; This variant is associated with the following publications: (PMID: 25486365)

NM_001042492.3(NF1):c.6925T>G (p.Ser2309Ala)

Gene: NF1 (neurofibromin 1; plus strand). Cytogenetic location: 17q11.2.
Variant type: single nucleotide variant.
Coding change: c.6925T>G on transcript NM_001042492.3 (MANE Select); coding-DNA position 6925, T replaced by G.
Protein change: p.Ser2309Ala; replaces serine 2309 with alanine.
Molecular consequence: missense variant.
Genome position (GRCh38, 1-based): chr17:31,340,508, T>G. VCF-style: chr17-31340508-T-G. GRCh37 (hg19) VCF-style: chr17-29667526-T-G.
Other names: c.6862T>G, p.Ser2288Ala (NM_000267.4); short protein forms S2288A, S2309A.
Identifiers: ClinVar variation 1362859 (VCV001362859.10), dbSNP rs2151561428, ClinGen allele CA399014849.